The following is an entry in ClinVar:

ClinVar aggregate classification (germline): Uncertain significance. Review status: criteria provided, multiple submitters, no conflicts (2 of 4 stars). 2 submissions from 2 submitters: Uncertain significance (2). Last evaluated 2024-11-21.

Conditions:
Charcot-Marie-Tooth disease type 2. Also called: Charcot-Marie-Tooth type 2. Identifiers: Orphanet 64746, MedGen C0270914, MONDO:0018993.

Allele frequency attached by ClinVar (database versions not stated): ExAC 0.00001; gnomAD exomes below 0.00001.
gnomAD v4.1: 4 of 1,614,166 alleles (0.00025%); highest among the groups gnomAD compares: South Asian, 0.0022%; no homozygotes.

Submissions (2):

Labcorp Genetics (formerly Invitae), Labcorp
Classification: Uncertain significance for Charcot-Marie-Tooth disease type 2. Last evaluated: 2024-11-21. Review status: criteria provided, single submitter. Criteria: Invitae Variant Classification Sherloc (09022015). Collection method: clinical testing. Allele origin: germline.
Comment: This sequence change replaces isoleucine, which is neutral and non-polar, with threonine, which is neutral and polar, at codon 660 of the AARS protein (p.Ile660Thr). This variant is present in population databases (rs755780106, gnomAD 0.003%). This variant has not been reported in the literature in individuals affected with AARS-related conditions. ClinVar contains an entry for this variant (Variation ID: 1304397). Invitae Evidence Modeling of protein sequence and biophysical properties (such as structural, functional, and spatial information, amino acid conservation, physicochemical variation, residue mobility, and thermodynamic stability) indicates that this missense variant is not expected to disrupt AARS protein function with a negative predictive value of 95%. In summary, the available evidence is currently insufficient to determine the role of this variant in disease. Therefore, it has been classified as a Variant of Uncertain Significance.

GeneDx
Classification: Uncertain significance. Last evaluated: 2020-05-08. Review status: criteria provided, single submitter. Criteria: GeneDx Variant Classification Process June 2021. Collection method: clinical testing. Allele origin: germline. Affected: yes.
Comment: Not observed at a significant frequency in large population cohorts (Lek et al., 2016); In silico analysis supports that this missense variant has a deleterious effect on protein structure/function; Has not been previously published as pathogenic or benign to our knowledge

NM_001605.3(AARS1):c.1979T>C (p.Ile660Thr)

Gene: AARS1 (alanyl-tRNA synthetase 1; minus strand). Cytogenetic location: 16q22.1.
Variant type: single nucleotide variant.
Coding change: c.1979T>C on transcript NM_001605.3 (MANE Select); coding-DNA position 1979, T replaced by C.
Protein change: p.Ile660Thr; replaces isoleucine 660 with threonine.
Molecular consequence: missense variant.
Genome position (GRCh38, 1-based): chr16:70,258,993, A>G on the plus strand (T>C on the coding strand, the complement: AARS1 is on the minus strand). VCF-style: chr16-70258993-A-G. GRCh37 (hg19) VCF-style: chr16-70292896-A-G.
Other names: short protein forms I660T.
Identifiers: ClinVar variation 1304397 (VCV001304397.4), dbSNP rs755780106, ClinGen allele CA8140620.